The following is an entry in ClinVar:

ClinVar aggregate classification (germline): Benign. Review status: criteria provided, multiple submitters, no conflicts (2 of 4 stars). 5 submissions from 5 submitters: Benign (4). 1 of the submissions does not count toward it. Last evaluated 2026-02-02.

Conditions:
Fetal akinesia deformation sequence 1 (FADS1). Also called: Fetal akinesia sequence; Pena-Shokeir syndrome type I. Identifiers: Orphanet 994, MedGen C1276035, MONDO:0100101, OMIM 208150, HP:0001989.
Congenital myasthenic syndrome 10. Also called: Myasthenia, limb-girdle, familial. Identifiers: Orphanet 590, MedGen C1850792, MONDO:0009690, OMIM 254300.

Allele frequency attached by ClinVar (database versions not stated): ExAC 0.00301; ESP Exome Variant Server 0.00783; TOPMed 0.00879; 1000 Genomes Project 0.00919; 1000 Genomes Project 30x 0.00984.
gnomAD v4.1: 2,315 of 1,553,432 alleles (0.15%); highest among the groups gnomAD compares: African/African-American, 2.8%; 33 homozygotes.

Submissions (5):

Labcorp Genetics (formerly Invitae), Labcorp
Classification: Benign for Congenital myasthenic syndrome 10; Fetal akinesia deformation sequence 1. Last evaluated: 2026-02-02. Review status: criteria provided, single submitter. Criteria: Invitae Variant Classification Sherloc (09022015). Collection method: clinical testing. Allele origin: germline.

GeneDx
Classification: Benign. Last evaluated: 2020-02-20. Review status: criteria provided, single submitter. Criteria: GeneDx Variant Classification Process June 2021. Collection method: clinical testing. Allele origin: germline. Affected: yes.

Breakthrough Genomics
Classification: Benign. Review status: criteria provided, single submitter. Criteria: ACMG Guidelines, 2015. Collection method: not provided. Allele origin: germline. Inheritance: Autosomal recessive inheritance. Affected: yes.

PreventionGenetics, part of Exact Sciences
Classification: Benign. Review status: criteria provided, single submitter. Criteria: ACMG Guidelines, 2015. Collection method: clinical testing. Allele origin: germline.

Genetic Services Laboratory, University of Chicago
Classification: Likely benign for AllHighlyPenetrant. Review status: no assertion criteria provided. Collection method: clinical testing. Allele origin: germline. Inheritance: Autosomal recessive inheritance. Not counted in ClinVar's aggregate classification.
Comment: Likely benign based on allele frequency in 1000 Genomes Project or ESP global frequency and its presence in a patient with a rare or unrelated disease phenotype. NOT Sanger confirmed.

NM_173660.5(DOK7):c.967C>T (p.Arg323Cys)

Gene: DOK7 (docking protein 7; plus strand). Cytogenetic location: 4p16.3.
Variant type: single nucleotide variant.
Coding change: c.967C>T on transcript NM_173660.5 (MANE Select); coding-DNA position 967, C replaced by T.
Protein change: p.Arg323Cys; replaces arginine 323 with cysteine.
Molecular consequence: missense variant. On other transcripts: 3 prime UTR variant (1).
Genome position (GRCh38, 1-based): chr4:3,492,953, C>T. VCF-style: chr4-3492953-C-T. GRCh37 (hg19) VCF-style: chr4-3494680-C-T.
Other names: c.*188C>T (NM_001164673.2); c.37C>T, p.Arg13Cys (NM_001256896.2); c.967C>T, p.Arg323Cys (NM_001301071.2); c.535C>T, p.Arg179Cys (NM_001363811.2); short protein forms R323C, R13C, R179C.
Identifiers: ClinVar variation 128917 (VCV000128917.20), dbSNP rs150728781, ClinGen allele CA152613.
Genomic context (GRCh38, chr4:3,492,953, plus strand): 5'-GCTGCCCAGGCCGCCGGGGAAGCCATGGTGGGTGCCTCAAGGCCACCCCCCAAGCCGCTG[C>T]GTCCGCGGCAGCTGCAGGAGGTTGGCCGCCAGAGCTCCTCGGACAGCGGCATCGCCACTG-3'
Protein context (NP_775931.3, residues 313-333): GASRPPPKPL[Arg323Cys]PRQLQEVGRQ